The following is an entry in ClinVar:

ClinVar aggregate classification (germline): Conflicting classifications of pathogenicity. Review status: criteria provided, conflicting classifications (1 of 4 stars). 26 submissions from 22 submitters: Uncertain significance (5); Benign (4); Likely benign (12). 5 of the submissions do not count toward it. Last evaluated 2026-02-03.

Conditions:
Cardiovascular phenotype. Identifiers: MedGen CN230736.
Dilated cardiomyopathy 1G (CMD1G). Identifiers: Orphanet 154, MedGen C1858763, MONDO:0011400, OMIM 604145.
Autosomal recessive limb-girdle muscular dystrophy type 2J (LGMDR10). Also called: Limb-girdle muscular dystrophy, type 2J; MUSCULAR DYSTROPHY, LIMB-GIRDLE, AUTOSOMAL RECESSIVE 10. Identifiers: Orphanet 140922, MedGen C1837342, MONDO:0012127, OMIM 608807.
Cardiomyopathy (CMYO). Also called: Cardiomyopathies. Identifiers: Orphanet 167848, MedGen C0878544, MONDO:0004994, HP:0001638. Inheritance: Various modes of inheritance.
Early-onset myopathy with fatal cardiomyopathy (CMYO5). Also called: Salih Myopathy; CONGENITAL MYOPATHY 5 WITH CARDIOMYOPATHY. Identifiers: Orphanet 289377, MedGen C2673677, MONDO:0012714, OMIM 611705. Disease mechanism: loss of function.
Myopathy, myofibrillar, 9, with early respiratory failure (MFM9). Also called: Hereditary myopathy with early respiratory failure; Myopathy, distal, with early respiratory failure, autosomal dominant; EDSTROM MYOPATHY; MYOPATHY, PROXIMAL, WITH EARLY RESPIRATORY MUSCLE INVOLVEMENT. Identifiers: Orphanet 178464, Orphanet 34521, MedGen C1863599, MONDO:0011362, OMIM 603689.
Tibial muscular dystrophy (TMD). Also called: Udd Distal Myopathy – Tibial Muscular Dystrophy; Tibial muscular dystrophy, tardive; UDD MYOPATHY. Identifiers: Orphanet 609, MedGen C1838244, MONDO:0010870, OMIM 600334.
Primary dilated cardiomyopathy (DCM). Also called: Dilated Cardiomyopathy. Identifiers: Orphanet 217604, MedGen C0007193, MeSH D002311, MONDO:0005021, HP:0001644. Inheritance: Various modes of inheritance.
Tip-toe gait. Also called: Toe walking. Identifiers: MedGen C0427144, HP:0030051.

Allele frequency attached by ClinVar (database versions not stated): ESP Exome Variant Server 0.00008; TOPMed 0.00058; gnomAD 0.00073 and 0.00089; gnomAD exomes 0.00086 and 0.00125; ExAC 0.00109; 1000 Genomes Project 30x 0.00187; 1000 Genomes Project 0.00220.
gnomAD v4.1: 1,404 of 1,613,032 alleles (0.087%); highest among the groups gnomAD compares: South Asian, 0.42%; 10 homozygotes.

Submissions 1 to 18 of 26:

Labcorp Genetics (formerly Invitae), Labcorp
Classification: Likely benign for Dilated cardiomyopathy 1G; Autosomal recessive limb-girdle muscular dystrophy type 2J. Last evaluated: 2026-02-03. Review status: criteria provided, single submitter. Criteria: Invitae Variant Classification Sherloc (09022015). Collection method: clinical testing. Allele origin: germline.

CeGaT Center for Human Genetics Tuebingen
Classification: Likely benign. Last evaluated: 2025-11-01. Review status: criteria provided, single submitter. Criteria: CeGaT Center For Human Genetics Tuebingen Variant Classification Criteria Version 2. Collection method: clinical testing. Allele origin: germline. Affected: yes. Observed: 22 variant alleles.
Comment: TTN: BS2

Mayo Clinic Laboratories, Mayo Clinic
Classification: Likely benign. Last evaluated: 2025-10-09. Review status: criteria provided, single submitter. Criteria: ACMG Guidelines, 2015. Collection method: clinical testing. Allele origin: germline. Observed: 5 variant alleles.
Comment: BS1, BS2

Molecular Diagnostic Laboratory for Inherited Cardiovascular Disease, Montreal Heart Institute
Classification: Likely benign. Last evaluated: 2025-04-09. Review status: criteria provided, single submitter. Criteria: ACMG Guidelines, 2015. Collection method: clinical testing. Allele origin: germline. Affected: no.

Blueprint Genetics
Classification: Likely benign. Last evaluated: 2024-11-13. Review status: criteria provided, single submitter. Criteria: ACMG Guidelines, 2015. Collection method: clinical testing. Allele origin: germline.

ARUP Laboratories, Molecular Genetics and Genomics, ARUP Laboratories
Classification: Likely benign. Last evaluated: 2024-03-20. Review status: criteria provided, single submitter. Criteria: ARUP Molecular Germline Variant Investigation Process 2024. Collection method: clinical testing. Allele origin: germline.

Molecular Genetics, Royal Melbourne Hospital
Classification: Likely benign for Autosomal recessive limb-girdle muscular dystrophy type 2J. Last evaluated: 2023-10-06. Review status: criteria provided, single submitter. Criteria: ACMG Guidelines, 2015. Collection method: clinical testing. Allele origin: germline. Inheritance: Autosomal recessive inheritance.

Women's Health and Genetics/Laboratory Corporation of America, LabCorp
Classification: Likely benign. Last evaluated: 2021-04-26. Review status: criteria provided, single submitter. Criteria: LabCorp Variant Classification Summary - May 2015. Collection method: clinical testing. Allele origin: germline.
Comment: Variant summary: TTN c.79708C>A (p.Pro26570Thr) results in a non-conservative amino acid change located in the A-band of the encoded protein sequence. Five of five in-silico tools predict a damaging effect of the variant on protein function. The variant allele was found at a frequency of 0.0012 in 248134 control chromosomes in the gnomAD database, including 2 homozygotes. The observed variant frequency is approximately 3 fold of the estimated maximal expected allele frequency for a pathogenic variant in TTN causing Dilated Cardiomyopathy phenotype (0.00039), strongly suggesting that the variant is benign. c.79708C>A has been reported in the literature in individuals affected with HCM, LQT or Sudden Unexplained Death (Lopes_2013, Campuzano_2015). These reports do not provide unequivocal conclusions about association of the variant with Dilated Cardiomyopathy. To our knowledge, no experimental evidence demonstrating an impact on protein function has been reported. Eight clinical diagnostic laboratories have submitted clinical-significance assessments for this variant to ClinVar after 2014 without evidence for independent evaluation. Multiple laboratories reported the variant with conflicting assessments (benign/likely benign n=5, VUS n=3). Based on the evidence outlined above, the variant was classified as likely benign.

CHEO Genetics Diagnostic Laboratory, Children's Hospital of Eastern Ontario
Classification: Benign for Cardiomyopathy. Last evaluated: 2020-05-26. Review status: criteria provided, single submitter. Criteria: ACMG Guidelines, 2015. Collection method: clinical testing. Allele origin: germline.

GeneDx
Classification: Benign. Last evaluated: 2020-04-20. Review status: criteria provided, single submitter. Criteria: GeneDx Variant Classification Process June 2021. Collection method: clinical testing. Allele origin: germline. Affected: yes.
Comment: This variant is associated with the following publications: (PMID: 23396983, 27930701, 23861362, 29886034)

Ambry Genetics
Classification: Likely benign for Cardiovascular phenotype. Last evaluated: 2018-05-09. Review status: criteria provided, single submitter. Criteria: Ambry Variant Classification Scheme 2023. Collection method: clinical testing. Allele origin: germline.

Illumina Laboratory Services, Illumina
Classification: Uncertain significance for Early-onset myopathy with fatal cardiomyopathy. Last evaluated: 2018-01-12. Review status: criteria provided, single submitter. Criteria: ICSL Variant Classification Criteria 13 December 2019. Collection method: clinical testing. Allele origin: germline.

Illumina Laboratory Services, Illumina
Classification: Uncertain significance for Dilated cardiomyopathy 1G. Last evaluated: 2018-01-12. Review status: criteria provided, single submitter. Criteria: ICSL Variant Classification Criteria 13 December 2019. Collection method: clinical testing. Allele origin: germline.

Illumina Laboratory Services, Illumina
Classification: Benign for Tibial muscular dystrophy. Last evaluated: 2018-01-12. Review status: criteria provided, single submitter. Criteria: ICSL Variant Classification Criteria 13 December 2019. Collection method: clinical testing. Allele origin: germline.
Comment: This variant was observed in the ICSL laboratory as part of a predisposition screen in an ostensibly healthy population. It had not been previously curated by ICSL or reported in the Human Gene Mutation Database (HGMD: prior to June 1st, 2018), and was therefore a candidate for classification through an automated scoring system. Utilizing variant allele frequency, disease prevalence and penetrance estimates, and inheritance mode, an automated score was calculated to assess if this variant is too frequent to cause the disease. Based on the score and internal cut-off values, a variant classified as benign is not then subjected to further curation. The score for this variant resulted in a classification of benign for this disease.

Illumina Laboratory Services, Illumina
Classification: Uncertain significance for Autosomal recessive limb-girdle muscular dystrophy type 2J. Last evaluated: 2018-01-12. Review status: criteria provided, single submitter. Criteria: ICSL Variant Classification Criteria 13 December 2019. Collection method: clinical testing. Allele origin: germline.

Illumina Laboratory Services, Illumina
Classification: Benign for Myopathy, myofibrillar, 9, with early respiratory failure. Last evaluated: 2018-01-12. Review status: criteria provided, single submitter. Criteria: ICSL Variant Classification Criteria 13 December 2019. Collection method: clinical testing. Allele origin: germline.
Comment: the same text as in the submission from Illumina Laboratory Services, Illumina above.

Genomic Diagnostic Laboratory, Division of Genomic Diagnostics, Children's Hospital of Philadelphia
Classification: Uncertain significance. Last evaluated: 2015-09-18. Review status: criteria provided, single submitter. Criteria: DGD Variant Analysis Guidelines. Collection method: clinical testing. Allele origin: unknown.

Eurofins Ntd Llc (ga)
Classification: Likely benign. Last evaluated: 2015-08-27. Review status: criteria provided, single submitter. Criteria: EGL Classification Definitions 2015. Collection method: clinical testing. Allele origin: germline. Observed: 1 variant allele, 1 heterozygote.

NM_001267550.2(TTN):c.87412C>A (p.Pro29138Thr)

Genes: TTN-AS1 (TTN antisense RNA 1; plus strand), TTN (titin; minus strand). Cytogenetic location: 2q31.2.
Variant type: single nucleotide variant.
Coding change: c.87412C>A on transcript NM_001267550.2 (MANE Select); coding-DNA position 87412, C replaced by A.
Protein change: p.Pro29138Thr; replaces proline 29138 with threonine.
Molecular consequence: missense variant.
Genome position (GRCh38, 1-based): chr2:178,557,942, G>T on the plus strand (C>A on the coding strand, the complement: TTN is on the minus strand). VCF-style: chr2-178557942-G-T. GRCh37 (hg19) VCF-style: chr2-179422669-G-T.
Other names: p.P27497T:CCT>ACT; c.82489C>A, p.Pro27497Thr (NM_001256850.1); c.60217C>A, p.Pro20073Thr (NM_003319.4); c.79708C>A, p.Pro26570Thr (NM_133378.4); c.60592C>A, p.Pro20198Thr (NM_133432.3); c.60793C>A, p.Pro20265Thr (NM_133437.4); short protein forms P29138T, P26570T, P27497T, P20073T, P20265T, P20198T.
Identifiers: ClinVar variation 47464 (VCV000047464.84), dbSNP rs72648227, ClinGen allele CA141084.